The following is an entry in ClinVar:

ClinVar aggregate classification (germline): Conflicting classifications of pathogenicity. Review status: criteria provided, conflicting classifications (1 of 4 stars). 2 submissions from 2 submitters: Likely pathogenic (1); Uncertain significance (1). Last evaluated 2026-03-02.

Conditions:
Familial cancer of breast. Also called: BREAST CANCER, FAMILIAL; hereditary breast carcinoma; Hereditary breast cancer. Identifiers: Orphanet 227535, MedGen C0346153, MONDO:0016419, OMIM 114480. Disease mechanism: loss of function.
Hereditary cancer-predisposing syndrome. Also called: Hereditary Cancer Syndrome; Neoplastic Syndromes, Hereditary; Tumor predisposition; Hereditary neoplastic syndrome. Identifiers: Orphanet 140162, MedGen C0027672, MeSH D009386, MONDO:0015356.

Submissions (2):

Ambry Genetics
Classification: Uncertain significance for Hereditary cancer-predisposing syndrome. Last evaluated: 2026-03-02. Review status: criteria provided, single submitter. Criteria: Ambry Variant Classification Scheme 2023. Collection method: clinical testing. Allele origin: germline.
Comment: The c.3173-16_3173-5del12 intronic variant results from a deletion of 12 nucleotides within intron 4 of the MSH6 gene. This alteration was identified in an individual with hereditary nonpolyposis colorectal cancer (HNPCC)/Lynch syndrome and RNA analysis by RT-PCR using patient lymphocytes reportedly caused aberrant splicing resulting in out-of-frame skipping of exon 5 with a predicted alternate stop codon (Sjursen W et al. Mol Genet Genomic Med, 2016 Mar;4:223-31). These nucleotide positions are not well conserved in available vertebrate species. In silico splice site analysis predicts that this alteration will weaken the native splice acceptor site. Since supporting evidence is limited at this time, the clinical significance of this alteration remains unclear.

Department of Pathology and Laboratory Medicine, Sinai Health System
Classification: Likely pathogenic for hereditary breast carcinoma. Review status: criteria provided, single submitter. Criteria: ACMG Guidelines, 2015. Collection method: clinical testing. Allele origin: germline.

Literature cited by the submitters: PubMed 27064304 (cited by Ambry Genetics).

NM_000179.3(MSH6):c.3173-16_3173-5del

Gene: MSH6 (mutS homolog 6; plus strand). Cytogenetic location: 2p16.3.
Variant type: Deletion.
Coding change: c.3173-16_3173-5del on transcript NM_000179.3 (MANE Select); 16 bases into the intron before coding-DNA position 3173 through 5 bases into the intron before coding-DNA position 3173, 12 bases deleted (CCCTCTCTTTTA).
Molecular consequence: intron variant.
Genome position (GRCh38, 1-based): chr2:47,803,404-47,803,415, CCCTCTCTTTTA deleted; deleting any 12 consecutive bases within chr2:47,803,398-47,803,415 gives the same sequence; the c. name uses the placement nearest the transcript's 3' end. VCF-style (leftmost placement, unchanged base first): chr2-47803397-ACTTTTACCCTCT-A. GRCh37 (hg19) VCF-style: chr2-48030536-ACTTTTACCCTCT-A.
Other names: c.3173-16_3173-5del (NM_001406809.1, NM_001406796.1, NM_001406808.1 and 1 more transcripts); c.2267-16_2267-5del (NM_001406811.1, NM_001406814.1, NM_001281493.2 and 6 more transcripts); c.2876-16_2876-5del (NM_001406805.1, NM_001406797.1, NM_001406801.1 and 10 more transcripts); c.3269-16_3269-5del (NM_001406795.1, NM_001406802.1); c.3179-16_3179-5del (NM_001406813.1); c.2648-16_2648-5del (NM_001406807.1, NM_001406799.1, NM_001406806.1); c.3173-190_3173-179del (NM_001406798.1); c.2309-16_2309-5del (NM_001406803.1); and 9 more.
Identifiers: ClinVar variation 3779965 (VCV003779965.2).
Genomic context (GRCh38, chr2:47,803,397, plus strand): 5'-TTATATAAAGAAGACCTATAAAACACTTAGGCTGATAAAACCCCCAAACGATGAAGCCTC[ACTTTTACCCTCT>A]CTTTTAACAGATGTTTTACTGTGCCTGGCTAACTATAGTCGAGGGGGTGATGGTCCTATG-3'